The following is an entry in ClinVar:

NM_003060.4(SLC22A5):c.1645C>T (p.Pro549Ser)

Gene: SLC22A5 (solute carrier family 22 member 5; plus strand). Cytogenetic location: 5q31.1.
Variant type: single nucleotide variant.
Coding change: c.1645C>T on transcript NM_003060.4 (MANE Select); coding-DNA position 1645, C replaced by T.
Protein change: p.Pro549Ser; replaces proline 549 with serine.
Molecular consequence: missense variant.
Genome position (GRCh38, 1-based): chr5:132,394,243, C>T. VCF-style: chr5-132394243-C-T. GRCh37 (hg19) VCF-style: chr5-131729935-C-T.
Other names: p.P549S:CCC>TCC; c.1717C>T, p.Pro573Ser (NM_001308122.2); short protein forms P573S.
Identifiers: ClinVar variation 25432 (VCV000025432.35), dbSNP rs11568525, ClinGen allele CA293500.
Genomic context (GRCh38, chr5:132,394,243, plus strand): 5'-AGAATGAAACACAGAAAAACTCCAAGTCACACAAGGATGTTAAAAGATGGTCAAGAAAGG[C>T]CCACAATCCTTAAAAGCACAGCCTTCTAACATCGCTTCCAGTAAGGGAGAAACTGAAGAG-3'
Protein context (NP_003051.1, residues 539-557): TRMLKDGQER[Pro549Ser]TILKSTAF

ClinVar aggregate classification (germline): Benign/Likely benign. Review status: criteria provided, multiple submitters, no conflicts (2 of 4 stars). 11 submissions from 11 submitters: Benign (6); Likely benign (3). 2 of the submissions do not count toward it. Last evaluated 2026-02-04.

Conditions:
SLC22A5-related disorder. Also called: SLC22A5-related condition.
Renal carnitine transport defect (CDSP). Also called: Systemic primary carnitine deficiency; Carnitine transporter deficiency; Primary carnitine deficiency; Carnitine Deficiency, Systemic; Systemic primary carnitine deficiency disease; CARNITINE DEFICIENCY, SYSTEMIC, DUE TO DEFECT IN RENAL REABSORPTION OF CARNITINE. Identifiers: Orphanet 158, MedGen C0342788, MONDO:0008919, OMIM 212140.

Allele frequency attached by ClinVar (database versions not stated): gnomAD exomes 0.00191 and 0.00539; ExAC 0.00650; gnomAD 0.02171 and 0.02345; 1000 Genomes Project 0.02196; 1000 Genomes Project 30x 0.02311; ESP Exome Variant Server 0.02360; TOPMed 0.02462.
gnomAD v4.1: 6,154 of 1,612,766 alleles (0.38%); highest among the groups gnomAD compares: African/African-American, 7.4%; 215 homozygotes.

Submissions (11):

Labcorp Genetics (formerly Invitae), Labcorp
Classification: Benign for Renal carnitine transport defect. Last evaluated: 2026-02-04. Review status: criteria provided, single submitter. Criteria: Invitae Variant Classification Sherloc (09022015). Collection method: clinical testing. Allele origin: germline.

Mayo Clinic Laboratories, Mayo Clinic
Classification: Benign. Last evaluated: 2025-01-28. Review status: criteria provided, single submitter. Criteria: ACMG Guidelines, 2015. Collection method: clinical testing. Allele origin: germline. Observed: 32 variant alleles.
Comment: BA1, BS2, BP4_strong

ARUP Laboratories, Molecular Genetics and Genomics, ARUP Laboratories
Classification: Benign for Renal carnitine transport defect. Last evaluated: 2024-08-17. Review status: criteria provided, single submitter. Criteria: ARUP Molecular Germline Variant Investigation Process 2024. Collection method: clinical testing. Allele origin: germline.

Giacomini Lab, University of California, San Francisco
Classification: Likely benign for Renal carnitine transport defect. Last evaluated: 2022-10-03. Review status: criteria provided, single submitter. Criteria: ACMG Guidelines, 2015. Collection method: research, in vitro. Allele origin: germline, not applicable.

Genome-Nilou Lab
Classification: Benign for Renal carnitine transport defect. Last evaluated: 2021-07-15. Review status: criteria provided, single submitter. Criteria: ACMG Guidelines, 2015. Collection method: clinical testing. Allele origin: germline. Affected: no.

Women's Health and Genetics/Laboratory Corporation of America, LabCorp
Classification: Benign. Last evaluated: 2018-11-12. Review status: criteria provided, single submitter. Criteria: LabCorp Variant Classification Summary - May 2015. Collection method: clinical testing. Allele origin: germline.
Comment: Variant summary: SLC22A5 c.1645C>T (p.Pro549Ser) results in a non-conservative amino acid change in the encoded protein sequence. Four of five in-silico tools predict a benign effect of the variant on protein function. The variant allele was found at a frequency of 0.0072 in 277216 control chromosomes in the gnomAD database, including 83 homozygotes. The observed variant frequency is approximately 2-folds higher than the estimated maximal expected allele frequency for a pathogenic variant in SLC22A5 causing Systemic Primary Carnitine Deficiency phenotype (0.0046), strongly suggesting that the variant is benign. c.1645C>T has been reported in the literature in individuals affected with Systemic Primary Carnitine Deficiency . These report(s) do not provide unequivocal conclusions about association of the variant with Systemic Primary Carnitine Deficiency . Multiple functional studies, Amat di San Filippo_2008, Frigeni_2017, Urban_2006, found the variant to act comparable to wild type function. Two ClinVar submissions from clinical diagnostic laboratories (evaluation after 2014) cite the variant as likely benign/benign. Based on the evidence outlined above, the variant was classified as benign.

Illumina Laboratory Services, Illumina
Classification: Likely benign for Renal carnitine transport defect. Last evaluated: 2017-04-28. Review status: criteria provided, single submitter. Criteria: ICSL Variant Classification Criteria 13 December 2019. Collection method: clinical testing. Allele origin: germline.
Comment: This variant was observed as part of a predisposition screen in an ostensibly healthy population. A literature search was performed for the gene, cDNA change, and amino acid change (where applicable). No publications were found based on this search. Allele frequency data from public databases allowed determination this variant is unlikely to cause disease. Therefore, this variant is classified as likely benign.

GeneDx
Classification: Benign. Last evaluated: 2014-05-16. Review status: criteria provided, single submitter. Criteria: GeneDx Variant Classification (06012015). Collection method: clinical testing. Allele origin: germline. Affected: yes.
Comment: This variant is considered likely benign or benign based on one or more of the following criteria: it is a conservative change, it occurs at a poorly conserved position in the protein, it is predicted to be benign by multiple in silico algorithms, and/or has population frequency not consistent with disease.

Breakthrough Genomics
Classification: Likely benign. Review status: criteria provided, single submitter. Criteria: ACMG Guidelines, 2015. Collection method: not provided. Allele origin: germline. Inheritance: Autosomal recessive inheritance. Affected: yes.

Natera, Inc.
Classification: Benign for Primary systemic carnitine deficiency. Last evaluated: 2020-09-16. Review status: no assertion criteria provided. Collection method: clinical testing. Allele origin: germline. Not counted in ClinVar's aggregate classification.

PreventionGenetics, part of Exact Sciences
Classification: Benign for SLC22A5-related condition. Last evaluated: 2020-03-25. Review status: no assertion criteria provided. Collection method: clinical testing. Allele origin: germline. Not counted in ClinVar's aggregate classification.
Comment: This variant is classified as benign based on ACMG/AMP sequence variant interpretation guidelines (Richards et al. 2015 PMID: 25741868, with internal and published modifications).

Literature cited by the submitters: PubMed 20574985 (cited by Women's Health and Genetics/Laboratory Corporation of America, LabCorp); PubMed 28841266 (cited by Women's Health and Genetics/Laboratory Corporation of America, LabCorp); PubMed 16931768 (cited by Women's Health and Genetics/Laboratory Corporation of America, LabCorp); PubMed 18337137 (cited by Women's Health and Genetics/Laboratory Corporation of America, LabCorp).